The following is an entry in ClinVar:

NM_001370100.5(ZMYND11):c.613del (p.Lys204_Val205insTer)

Gene: ZMYND11 (zinc finger MYND-type containing 11; plus strand). Cytogenetic location: 10p15.3.
Variant type: Deletion.
Coding change: c.613del on transcript NM_001370100.5 (MANE Select); coding-DNA position 613, one base deleted (G; older notation c.613delG).
Protein change: p.Lys204_Val205insTer.
Molecular consequence: nonsense. On other transcripts: non-coding transcript variant (1), intron variant (2).
Genome position (GRCh38, 1-based): chr10:239,441, G deleted. VCF-style (leftmost placement, unchanged base first): chr10-239440-AG-A. GRCh37 (hg19) VCF-style: chr10-285380-AG-A.
Other names: c.451del, p.Lys150_Val151insTer (NM_001202464.3, NM_001202466.3, NM_001202467.1 and 8 more transcripts); c.358del, p.Lys119_Val120insTer (NM_001202465.3, NM_001370110.2); c.613del, p.Lys204_Val205insTer (NM_001202468.1, NM_001370097.3, NM_001370098.2 and 8 more transcripts); c.562del, p.Lys187_Val188insTer (NM_001330057.3, NM_001370112.2); c.520del, p.Lys173_Val174insTer (NM_001370113.2, NM_001370114.2); c.547del, p.Lys182_Val183insTer (NM_001370116.2); c.493del, p.Lys164_Val165insTer (NM_001370118.2); c.385del, p.Lys128_Val129insTer (NM_001370120.2); and 4 more.
Identifiers: ClinVar variation 3347530 (VCV003347530.1).

ClinVar aggregate classification (germline): Likely pathogenic (0 of 4 stars; one submission).

Conditions:
ZMYND11-related disorder. Also called: ZMYND11-related condition.

Submission:

PreventionGenetics, part of Exact Sciences
Classification: Likely pathogenic for ZMYND11-related condition. Last evaluated: 2024-05-13. Review status: no assertion criteria provided. Collection method: clinical testing. Allele origin: germline.
Comment: The ZMYND11 c.613delG variant is predicted to result in premature protein termination (p.Val205*). To our knowledge, this variant has not been reported in the literature or in a large population database, indicating this variant is rare. This variant is interpreted as likely pathogenic.